The following is an entry in ClinVar:

ClinVar aggregate classification (germline): Uncertain significance. Review status: criteria provided, multiple submitters, no conflicts (2 of 4 stars). 2 submissions from 2 submitters: Uncertain significance (2). Last evaluated 2024-08-10.

Conditions:
Ehlers-Danlos syndrome, classic type (cEDS). Identifiers: Orphanet 287, MedGen C4225429, MONDO:0007522.
Ehlers-Danlos syndrome, classic type, 1 (EDSCL1). Also called: EHLERS-DANLOS SYNDROME, GRAVIS TYPE; EHLERS-DANLOS SYNDROME, SEVERE CLASSIC TYPE; Ehlers-Danlos syndrome, type 1; Ehlers-Danlos Syndrome, Classic Type, COL5A1-Related; EDS I. Identifiers: MedGen C0268335, MONDO:0019567, OMIM 130000.

gnomAD v4.1: 4 of 1,613,706 alleles (0.00025%); highest among the groups gnomAD compares: Admixed American, 0.005%; no homozygotes.

Submissions (2):

Labcorp Genetics (formerly Invitae), Labcorp
Classification: Uncertain significance for Ehlers-Danlos syndrome, classic type, 1. Last evaluated: 2024-08-10. Review status: criteria provided, single submitter. Criteria: Invitae Variant Classification Sherloc (09022015). Collection method: clinical testing. Allele origin: germline.
Comment: This sequence change replaces proline, which is neutral and non-polar, with leucine, which is neutral and non-polar, at codon 593 of the COL5A2 protein (p.Pro593Leu). This variant is present in population databases (rs776671435, gnomAD 0.006%). This variant has not been reported in the literature in individuals affected with COL5A2-related conditions. Advanced modeling of protein sequence and biophysical properties (such as structural, functional, and spatial information, amino acid conservation, physicochemical variation, residue mobility, and thermodynamic stability) performed at Invitae indicates that this missense variant is not expected to disrupt COL5A2 protein function with a negative predictive value of 80%. In summary, the available evidence is currently insufficient to determine the role of this variant in disease. Therefore, it has been classified as a Variant of Uncertain Significance.

Department of Pathology and Laboratory Medicine, Sinai Health System
Classification: Uncertain significance for Ehlers-Danlos syndrome, classic type. Last evaluated: 2022-02-09. Review status: criteria provided, single submitter. Criteria: ACMG Guidelines, 2015. Collection method: research. Allele origin: germline.

NM_000393.5(COL5A2):c.1778C>T (p.Pro593Leu)

Gene: COL5A2 (collagen type V alpha 2 chain; minus strand). Cytogenetic location: 2q32.2.
Variant type: single nucleotide variant.
Coding change: c.1778C>T on transcript NM_000393.5 (MANE Select); coding-DNA position 1778, C replaced by T.
Protein change: p.Pro593Leu; replaces proline 593 with leucine.
Molecular consequence: missense variant.
Genome position (GRCh38, 1-based): chr2:189,063,263, G>A on the plus strand (C>T on the coding strand, the complement: COL5A2 is on the minus strand). VCF-style: chr2-189063263-G-A. GRCh37 (hg19) VCF-style: chr2-189927989-G-A.
Other names: short protein forms P593L.
Identifiers: ClinVar variation 3687259 (VCV003687259.3).